The following is an entry in ClinVar:

NM_012309.5(SHANK2):c.2088C>T (p.Val696=)

Gene: SHANK2 (SH3 and multiple ankyrin repeat domains 2; minus strand). Cytogenetic location: 11q13.4.
Variant type: single nucleotide variant.
Coding change: c.2088C>T on transcript NM_012309.5 (MANE Select); coding-DNA position 2088, C replaced by T.
Protein change: p.Val696=; no amino-acid change (valine 696 retained).
Molecular consequence: synonymous variant. On other transcripts: non-coding transcript variant (1).
Genome position (GRCh38, 1-based): chr11:70,502,905, G>A on the plus strand (C>T on the coding strand, the complement: SHANK2 is on the minus strand). VCF-style: chr11-70502905-G-A. GRCh37 (hg19) VCF-style: chr11-70349010-G-A.
Other names: c.951C>T, p.Val317= (NM_001379226.1, NM_001441040.1, NM_001441041.1); c.2259C>T, p.Val753= (NM_001441024.1); c.2088C>T, p.Val696= (NM_001441025.1, NM_001441026.1, NM_001441027.1 and 11 more transcripts); c.2016C>T, p.Val672= (NM_001441038.1); c.324C>T, p.Val108= (NM_001441042.1, NM_001441043.1, NM_001441044.1 and 4 more transcripts).
Identifiers: ClinVar variation 4820954 (VCV004820954.4).

ClinVar aggregate classification (germline): Likely benign (1 of 4 stars; one submission).

gnomAD v4.1: 15 of 1,614,004 alleles (0.00093%); highest among the groups gnomAD compares: Non-Finnish European, 0.0011%; no homozygotes.

Submission:

CeGaT Center for Human Genetics Tuebingen
Classification: Likely benign. Last evaluated: 2026-02-01. Review status: criteria provided, single submitter. Criteria: CeGaT Center For Human Genetics Tuebingen Variant Classification Criteria Version 2. Collection method: clinical testing. Allele origin: germline. Affected: yes. Observed: 1 variant allele.
Comment: SHANK2: BP4, BP7